The following is an entry in ClinVar:

NM_080680.3(COL11A2):c.1796C>G (p.Pro599Arg)

Gene: COL11A2 (collagen type XI alpha 2 chain; minus strand). Cytogenetic location: 6p21.32.
Variant type: single nucleotide variant.
Coding change: c.1796C>G on transcript NM_080680.3 (MANE Select); coding-DNA position 1796, C replaced by G.
Protein change: p.Pro599Arg; replaces proline 599 with arginine.
Molecular consequence: missense variant.
Genome position (GRCh38, 1-based): chr6:33,178,330, G>C on the plus strand (C>G on the coding strand, the complement: COL11A2 is on the minus strand). VCF-style: chr6-33178330-G-C. GRCh37 (hg19) VCF-style: chr6-33146107-G-C.
Other names: c.1475C>G, p.Pro492Arg (NM_080679.3); c.1538C>G, p.Pro513Arg (NM_080681.3); short protein forms P492R, P513R, P599R.
Identifiers: ClinVar variation 2507181 (VCV002507181.2), dbSNP rs780055075, ClinGen allele CA363657292.

ClinVar aggregate classification (germline): Uncertain significance (1 of 4 stars; one submission).

Submission:

GeneDx
Classification: Uncertain significance. Last evaluated: 2026-01-05. Review status: criteria provided, single submitter. Criteria: GeneDx Variant Classification Process June 2021. Collection method: clinical testing. Allele origin: germline. Affected: yes.
Comment: Not observed at significant frequency in large population cohorts (gnomAD); In silico analysis supports that this missense variant has a deleterious effect on protein structure/function; Has not been previously published as pathogenic or benign to our knowledge